The following is an entry in ClinVar:

NM_001364905.1(LRBA):c.621del (p.Phe207fs)

Gene: LRBA (LPS responsive beige-like anchor protein; minus strand). Cytogenetic location: 4q31.3.
Variant type: Deletion.
Coding change: c.621del on transcript NM_001364905.1 (MANE Select); coding-DNA position 621, one base deleted (T; older notation c.621delT).
Protein change: p.Phe207fs; shifts the reading frame from phenylalanine 207.
Molecular consequence: frameshift variant.
Genome position (GRCh38, 1-based): chr4:150,921,222, A deleted on the plus strand (T on the coding strand, the reverse complement: LRBA is on the minus strand); the first of 6 consecutive A bases (chr4:150,921,222-150,921,227); deleting any one gives the same sequence. VCF-style (leftmost placement, unchanged base first): chr4-150921221-TA-T. GRCh37 (hg19) VCF-style: chr4-151842373-TA-T.
Other names: c.616delT, p.Phe207Leufs (NM_001199282.3, NM_006726.5); c.621del, p.Phe207fs (NM_001367550.1); short protein forms F207fs.
Identifiers: ClinVar variation 3724569 (VCV003724569.2).
Genomic context (GRCh38, chr4:150,921,221, plus strand): 5'-AGAACTGGGAGTGATTTCCTCATTAATATTTACTTACTGCAGCACTCTTTCCTGGAAAGT[TA>T]AAAAAGGCATCAGGACCATACTTCTGAGGCATATGCTTTAACACAGACAGCAACTTCCCA-3'

ClinVar aggregate classification (germline): Pathogenic (1 of 4 stars; one submission).

Conditions:
Combined immunodeficiency due to LRBA deficiency. Also called: Common variable immunodeficiency 8, with autoimmunity. Identifiers: Orphanet 445018, MedGen C3553512, MONDO:0013863, OMIM 614700.

Submission:

Labcorp Genetics (formerly Invitae), Labcorp
Classification: Pathogenic for Combined immunodeficiency due to LRBA deficiency. Last evaluated: 2024-11-03. Review status: criteria provided, single submitter. Criteria: Invitae Variant Classification Sherloc (09022015). Collection method: clinical testing. Allele origin: germline.
Comment: This sequence change creates a premature translational stop signal (p.Phe207Leufs*16) in the LRBA gene. It is expected to result in an absent or disrupted protein product. Loss-of-function variants in LRBA are known to be pathogenic (PMID: 26206937, 26768763). This variant is not present in population databases (gnomAD no frequency). This variant has not been reported in the literature in individuals affected with LRBA-related conditions. For these reasons, this variant has been classified as Pathogenic.

Literature cited by the submitters: PubMed 26206937; PubMed 26768763.